The following is an entry in ClinVar:

NM_002449.5(MSX2):c.674C>G (p.Pro225Arg)

Gene: MSX2 (msh homeobox 2; plus strand). Cytogenetic location: 5q35.2.
Variant type: single nucleotide variant.
Coding change: c.674C>G on transcript NM_002449.5 (MANE Select); coding-DNA position 674, C replaced by G.
Protein change: p.Pro225Arg; replaces proline 225 with arginine.
Molecular consequence: missense variant. On other transcripts: 3 prime UTR variant (1).
Genome position (GRCh38, 1-based): chr5:174,729,453, C>G. VCF-style: chr5-174729453-C-G. GRCh37 (hg19) VCF-style: chr5-174156456-C-G.
Other names: c.*298C>G (NM_001363626.2); short protein forms P225R.
Identifiers: ClinVar variation 2230157 (VCV002230157.4), dbSNP rs1392988082, ClinGen allele CA362230392.

ClinVar aggregate classification (germline): Uncertain significance. Review status: criteria provided, multiple submitters, no conflicts (2 of 4 stars). 2 submissions from 2 submitters: Uncertain significance (2). Last evaluated 2026-09-25.

Conditions:
Inborn genetic diseases. Identifiers: MedGen C0950123, MeSH D030342.

Allele frequency attached by ClinVar (database versions not stated): gnomAD exomes below 0.00001.
gnomAD v4.1: 2 of 1,614,044 alleles (0.00012%); highest among the groups gnomAD compares: Non-Finnish European, 0.00017%; no homozygotes.

Submissions (2):

GeneDx
Classification: Uncertain significance. Last evaluated: 2026-09-25. Review status: criteria provided, single submitter. Criteria: GeneDx Variant Classification Process June 2021. Collection method: clinical testing. Allele origin: germline.
Comment: Not observed at significant frequency in large population cohorts (gnomAD); In silico analysis supports that this missense variant has a deleterious effect on protein structure/function; Has not been previously published as pathogenic or benign to our knowledge

Ambry Genetics
Classification: Uncertain significance for Inborn genetic diseases. Last evaluated: 2021-04-20. Review status: criteria provided, single submitter. Criteria: Ambry Variant Classification Scheme 2023. Collection method: clinical testing. Allele origin: germline.